The following is an entry in ClinVar:

ClinVar aggregate classification (germline): Pathogenic (1 of 4 stars; one submission).

Conditions:
BAP1-related tumor predisposition syndrome (TPDS1). Also called: COMMON Syndrome; TUMOR PREDISPOSITION SYNDROME 1; Tumor susceptibility linked to germline BAP1 mutations; BAP1 tumor predisposition syndrome. Identifiers: Orphanet 289539, MedGen C3280492, MONDO:0013692, OMIM 614327.

Submission:

Labcorp Genetics (formerly Invitae), Labcorp
Classification: Pathogenic for BAP1-related tumor predisposition syndrome. Last evaluated: 2024-08-06. Review status: criteria provided, single submitter. Criteria: Invitae Variant Classification Sherloc (09022015). Collection method: clinical testing. Allele origin: germline.
Comment: This sequence change creates a premature translational stop signal (p.Tyr366*) in the BAP1 gene. It is expected to result in an absent or disrupted protein product. Loss-of-function variants in BAP1 are known to be pathogenic (PMID: 21874000, 23684012). This variant is not present in population databases (gnomAD no frequency). This variant has not been reported in the literature in individuals affected with BAP1-related conditions. Algorithms developed to predict the effect of sequence changes on RNA splicing suggest that this variant may disrupt the consensus splice site. For these reasons, this variant has been classified as Pathogenic.

Literature cited by the submitters: PubMed 21874000; PubMed 23684012.

NM_004656.4(BAP1):c.1098del (p.Asn365_Tyr366insTer)

Gene: BAP1 (BRCA1 associated deubiquitinase 1; minus strand). Cytogenetic location: 3p21.1.
Variant type: Deletion.
Coding change: c.1098del on transcript NM_004656.4 (MANE Select); coding-DNA position 1098, one base deleted (T; older notation c.1098delT).
Protein change: p.Asn365_Tyr366insTer.
Molecular consequence: nonsense.
Genome position (GRCh38, 1-based): chr3:52,405,128, A deleted on the plus strand (T on the coding strand, the reverse complement: BAP1 is on the minus strand). VCF-style (leftmost placement, unchanged base first): chr3-52405127-CA-C. GRCh37 (hg19) VCF-style: chr3-52439143-CA-C.
Other names: c.1044del, p.Asn347_Tyr348insTer (NM_001410772.1).
Identifiers: ClinVar variation 3713918 (VCV003713918.2).
Genomic context (GRCh38, chr3:52,405,127, plus strand): 5'-AGAGAATCAAGTAGAGAATCCTGCAAGGGTGCTCCCAGCTTACCTGCATGGGGGACTTGG[CA>C]TAATTGTGATTGTCTAGAAAGGCCGGCAGCCGCTGGACAATGGGAGTGGGGTTGGGGTGA-3'